The following is an entry in ClinVar:

ClinVar aggregate classification (germline): Conflicting classifications of pathogenicity. Review status: criteria provided, conflicting classifications (1 of 4 stars). 8 submissions from 8 submitters: Uncertain significance (7); Likely benign (1). Last evaluated 2026-01-06.

Conditions:
Cardiovascular phenotype. Identifiers: MedGen CN230736.
Primary familial dilated cardiomyopathy (FDC). Also called: Hypokinetic dilated cardiomyopathy, familial; Familial dilated cardiomyopathy. Identifiers: Orphanet 217607, MedGen C0340427, MONDO:0016333.
Dilated cardiomyopathy 1C (CMD1C). Also called: CARDIOMYOPATHY, DILATED, 1C, WITH OR WITHOUT LEFT VENTRICULAR NONCOMPACTION; Cardiomyopathy, dilated, 1C, with or without LVNC. Identifiers: Orphanet 154, Orphanet 54260, MedGen C1832244, MONDO:0011094, OMIM 601493.
Myofibrillar myopathy 4. Also called: Zaspopathy (type). Identifiers: Orphanet 98912, MedGen C4721886, MONDO:0012277, OMIM 609452.

Allele frequency attached by ClinVar (database versions not stated): gnomAD 0.00013; 1000 Genomes Project 0.00020; 1000 Genomes Project 30x 0.00016; TOPMed 0.00014; ESP Exome Variant Server 0.00008.

Submissions (8):

Labcorp Genetics (formerly Invitae), Labcorp
Classification: Uncertain significance for Myofibrillar myopathy 4. Last evaluated: 2026-01-06. Review status: criteria provided, single submitter. Criteria: Invitae Variant Classification Sherloc (09022015). Collection method: clinical testing. Allele origin: germline.
Comment: The LDB3 gene has multiple clinically relevant transcripts. This variant occurs in alternate transcript NM_007078.3, and corresponds to NM_001080116.1:c.*16974C>G in the primary transcript. This sequence change replaces proline, which is neutral and non-polar, with arginine, which is basic and polar, at codon 418 of the LDB3 protein (p.Pro418Arg). This variant is present in population databases (rs141870580, gnomAD 0.02%). This variant has not been reported in the literature in individuals affected with LDB3-related conditions. ClinVar contains an entry for this variant (Variation ID: 406810). Experimental studies and prediction algorithms are not available or were not evaluated, and the functional significance of this variant is currently unknown. In summary, the available evidence is currently insufficient to determine the role of this variant in disease. Therefore, it has been classified as a Variant of Uncertain Significance.

Women's Health and Genetics/Laboratory Corporation of America, LabCorp
Classification: Uncertain significance. Last evaluated: 2025-03-06. Review status: criteria provided, single submitter. Criteria: LabCorp Variant Classification Summary - May 2015. Collection method: clinical testing. Allele origin: germline.
Comment: Variant summary: LDB3 c.1253C>G (p.Pro418Arg) results in a non-conservative amino acid change in the encoded protein sequence. Three of five in-silico tools predict a damaging effect of the variant on protein function. The variant allele was found at a frequency of 9.7e-05 in 248242 control chromosomes.The observed variant frequency is approximately 3.9-fold of the estimated maximal expected allele frequency for a pathogenic variant in LDB3 causing Cardiomyopathy phenotype (2.5e-05), suggesting that the variant could be benign, however, evidence is insufficient to draw any conclusions. To our knowledge, c.1253C>G has not been reported in the literature in individuals affected with Cardiomyopathy and no experimental evidence demonstrating an impact on protein function has been reported. The following publication has been ascertained in the context of this evaluation (PMID: 30021846). ClinVar contains an entry for this variant (Variation ID: 406810). Based on the evidence outlined above, the variant was classified as uncertain significance.

Blueprint Genetics
Classification: Likely benign. Last evaluated: 2024-11-15. Review status: criteria provided, single submitter. Criteria: ACMG Guidelines, 2015. Collection method: clinical testing. Allele origin: germline.

Ambry Genetics
Classification: Uncertain significance for Cardiovascular phenotype. Last evaluated: 2024-07-08. Review status: criteria provided, single submitter. Criteria: Ambry Variant Classification Scheme 2023. Collection method: clinical testing. Allele origin: germline.
Comment: The p.P418R variant (also known as c.1253C>G), located in coding exon 9 of the LDB3 gene, results from a C to G substitution at nucleotide position 1253. The proline at codon 418 is replaced by arginine, an amino acid with dissimilar properties. This variant has been detected in an individual referred for genetic testing for dilated cardiomyopathy (VanDyke RE et al. J Genet Couns. 2021 04;30(2):503-512). This amino acid position is highly conserved on limited sequence alignment. In addition, this alteration is predicted to be tolerated by in silico analysis. Since supporting evidence is limited at this time, the clinical significance of this alteration remains unclear.

Fulgent Genetics
Classification: Uncertain significance for Dilated cardiomyopathy 1C; Myofibrillar myopathy 4. Last evaluated: 2021-10-28. Review status: criteria provided, single submitter. Criteria: ACMG Guidelines, 2015. Collection method: clinical testing. Allele origin: unknown.

GeneDx
Classification: Uncertain significance. Last evaluated: 2019-04-17. Review status: criteria provided, single submitter. Criteria: GeneDx Variant Classification Process June 2021. Collection method: clinical testing. Allele origin: germline. Affected: yes.
Comment: In silico analysis, which includes protein predictors and evolutionary conservation, supports that this variant does not alter protein structure/function; Has not been previously published as pathogenic or benign to our knowledge; Reported in ClinVar but additional evidence is not available (ClinVar Variant ID# 406810; Landrum et al., 2016)

Molecular Diagnostic Laboratory for Inherited Cardiovascular Disease, Montreal Heart Institute
Classification: Uncertain significance for Primary familial dilated cardiomyopathy. Last evaluated: 2017-05-23. Review status: criteria provided, single submitter. Criteria: ACMG Guidelines, 2015. Collection method: clinical testing. Allele origin: germline. Affected: yes.

Laboratory for Molecular Medicine, Mass General Brigham Personalized Medicine
Classification: Uncertain significance. Last evaluated: 2016-06-16. Review status: criteria provided, single submitter. Criteria: LMM Criteria. Collection method: clinical testing. Allele origin: germline. Observed: 1 variant allele.
Comment: The p.Pro418Arg variant in LDB3 has not been previously reported in individuals with cardiomyopathy, but has been identified in 14/65594 European chromosomes by the Exome Aggregation Consortium (ExAC; dbSNP r s141870580). Computational prediction tools and conservation analysis suggest th at the p.Pro418Arg variant may impact the protein, though this information is no t predictive enough to determine pathogenicity. In summary, the clinical signifi cance of the p.Pro418Arg variant is uncertain.

Literature cited by the submitters: PubMed 30021846 (cited by Women's Health and Genetics/Laboratory Corporation of America, LabCorp); PubMed 33029862 (cited by Ambry Genetics).

NM_007078.3(LDB3):c.1253C>G (p.Pro418Arg)

Gene: LDB3 (LIM domain binding 3; plus strand). Cytogenetic location: 10q23.2.
Variant type: single nucleotide variant.
Coding change: c.1253C>G on transcript NM_007078.3 (MANE Select); coding-DNA position 1253, C replaced by G.
Protein change: p.Pro418Arg; replaces proline 418 with arginine.
Molecular consequence: missense variant.
Genome position (GRCh38, 1-based): chr10:86,716,348, C>G. VCF-style: chr10-86716348-C-G. GRCh37 (hg19) VCF-style: chr10-88476105-C-G.
Other names: c.923C>G, p.Pro308Arg (NM_001080114.2); c.1268C>G, p.Pro423Arg (NM_001171610.2); c.1064C>G, p.Pro355Arg (NM_001368064.1, NM_001368065.1); c.1112C>G, p.Pro371Arg (NM_001368066.1); short protein forms P418R, P308R, P423R, P355R, P371R.
Identifiers: ClinVar variation 406810 (VCV000406810.26), dbSNP rs141870580, ClinGen allele CA5585105.